The following is an entry in ClinVar:

ClinVar aggregate classification (germline): Likely pathogenic. Review status: reviewed by expert panel (3 of 4 stars). 10 submissions from 10 submitters: Likely pathogenic (1). 9 of the submissions do not count toward it. Last evaluated 2024-01-25.

Conditions:
ATM-related cancer predisposition. Also called: ATM-related cancer susceptibility. Identifiers: MedGen CN377759, MONDO:0700270.
ATM-related disorder. Also called: ATM-related disorders; ATM-related condition.
Hereditary cancer-predisposing syndrome. Also called: Tumor predisposition; Neoplastic Syndromes, Hereditary; Hereditary neoplastic syndrome; Hereditary Cancer Syndrome. Identifiers: Orphanet 140162, MedGen C0027672, MeSH D009386, MONDO:0015356.
Familial cancer of breast. Also called: BREAST CANCER, FAMILIAL; hereditary breast carcinoma; Hereditary breast cancer. Identifiers: Orphanet 227535, MedGen C0346153, MONDO:0016419, OMIM 114480. Disease mechanism: loss of function.
Ataxia-telangiectasia syndrome (AT). Also called: LOUIS-BAR SYNDROME; Ataxia-telangiectasia, complementation group D; AT, COMPLEMENTATION GROUP C; ATAXIA-TELANGIECTASIA, COMPLEMENTATION GROUP A; ATAXIA-TELANGIECTASIA, FRESNO VARIANT; Ataxia-telangiectasia. Identifiers: Orphanet 100, MedGen C0004135, MONDO:0008840, OMIM 208900.

Allele frequency attached by ClinVar (database versions not stated): gnomAD exomes below 0.00001; ExAC 0.00001.
gnomAD v4.1: 2 of 1,613,560 alleles (0.00012%); highest among the groups gnomAD compares: Non-Finnish European, 0.00017%; no homozygotes.

Submissions (10):

ClinGen Hereditary Breast, Ovarian and Pancreatic Cancer Variant Curation Expert Panel, ClinGen
Classification: Likely pathogenic for ATM-related cancer predisposition. Last evaluated: 2024-01-25. Review status: reviewed by expert panel. Criteria: ClinGen HBOP ACMG Specifications ATM V1.2.0. Collection method: curation. Allele origin: germline. Inheritance: Autosomal dominant inheritance.
Comment: The c.4394T>C variant in ATM is a missense variant predicted to cause substitution of leucine by proline at amino acid 1465 (p.Leu1465Pro). The highest population minor allele frequency in gnomAD v2.1.1 is 0.001% in European (non-Finnish) population, which is lower than the ClinGen HBOP threshold (</=0.001%) for PM2_Supporting, meeting this criterion. This variant has been detected in at least one individual with Ataxia-Telangiectasia (PMID 9463314, 10234507, 26896183). The computational predictor, Revel (Score: 0.802), predicts a damaging effect on ATM function. In summary, this variant meets criteria to be classified as likely pathogenic for autosomal dominant hereditary breast cancer and autosomal recessive Ataxia-Telangiectasia based on the ACMG/AMP criteria applied, as specified by the HBOP VCEP (PM2_supporting, PM3_strong, PP3).

Labcorp Genetics (formerly Invitae), Labcorp
Classification: Likely pathogenic for Ataxia-telangiectasia syndrome. Last evaluated: 2025-12-17. Review status: criteria provided, single submitter. Criteria: Invitae Variant Classification Sherloc (09022015). Collection method: clinical testing. Allele origin: germline. Not counted in ClinVar's aggregate classification.
Comment: This sequence change replaces leucine, which is neutral and non-polar, with proline, which is neutral and non-polar, at codon 1465 of the ATM protein (p.Leu1465Pro). This variant is present in population databases (rs730881391, gnomAD 0.0009%). This missense change has been observed in individual(s) with clinical features of ataxia-telangiectasia, esophageal cancer, gastric cancer, and/or prostate cancer (PMID: 10234507, 26681312, 26896183, 32853339, 33436325, 37232349). In at least one individual the data is consistent with being in trans (on the opposite chromosome) from a pathogenic variant. ClinVar contains an entry for this variant (Variation ID: 181996). Invitae Evidence Modeling of protein sequence and biophysical properties (such as structural, functional, and spatial information, amino acid conservation, physicochemical variation, residue mobility, and thermodynamic stability) has been performed for this missense variant. However, the output from this modeling did not meet the statistical confidence thresholds required to predict the impact of this variant on ATM protein function. Experimental studies have shown that this missense change affects ATM function (PMID: 10234507, 19431188). In summary, the currently available evidence indicates that the variant is pathogenic, but additional data are needed to prove that conclusively. Therefore, this variant has been classified as Likely Pathogenic.

Women's Health and Genetics/Laboratory Corporation of America, LabCorp
Classification: Pathogenic for Ataxia-telangiectasia syndrome. Last evaluated: 2025-09-18. Review status: criteria provided, single submitter. Criteria: LabCorp Variant Classification Summary - May 2015. Collection method: clinical testing. Allele origin: germline. Not counted in ClinVar's aggregate classification.
Comment: Variant summary: ATM c.4394T>C (p.Leu1465Pro) results in a non-conservative amino acid change in the encoded protein sequence. Algorithms developed to predict the effect of missense changes on protein structure and function are either unavailable or do not agree on the potential impact of this missense change. The variant allele was found at a frequency of 4e-06 in 251206 control chromosomes. c.4394T>C has been observed in at least one compound heterozygous individual affected with Ataxia-telangiectasia syndrome (Izatt_1999). This variant has also been observed in heterozygous genotype in three individuals in a family affected with breast cancer (Loureno_2023). These data indicate that the variant is very likely to be associated with disease. At least one publication reports experimental evidence evaluating an impact on protein function and the most pronounced variant effect results in <10% of normal activity (Izatt_1999). The following publications have been ascertained in the context of this evaluation (PMID: 19431188, 32853339, 22529920, 10234507, 26896183, 33436325, 37232349, 26681312). ClinVar contains an entry for this variant (Variation ID: 181996). Based on the evidence outlined above, the variant was classified as pathogenic.

Color Diagnostics, LLC DBA Color Health
Classification: Likely pathogenic for Hereditary cancer-predisposing syndrome. Last evaluated: 2025-09-02. Review status: criteria provided, single submitter. Criteria: ACMG Guidelines, 2015. Collection method: clinical testing. Allele origin: germline. Not counted in ClinVar's aggregate classification.
Comment: This missense variant replaces leucine with proline at codon 1465 of the ATM protein. Computational prediction suggests that this variant may have deleterious impact on protein structure and function. Functional studies have reported that this variant reduced protein expression and kinase activity (PMID: 10234507, 19431188). This variant has been observed in an individual with a personal and family history of breast cancer (PMID: 37232349). This variant has also been reported with a second pathogenic variant in trans in at least one individual affected with autosomal recessive Ataxia-Telangiectasia (PMID: 10234507, 19431188, 26896183), indicating that this variant contributes to disease. This variant has been identified in 1/251106 chromosomes in the general population by the Genome Aggregation Database (gnomAD). Based on the available evidence, this variant is classified as Likely Pathogenic.

Molecular Pathology, Peter Maccallum Cancer Centre
Classification: Likely pathogenic for Ataxia-telangiectasia syndrome. Last evaluated: 2025-05-28. Review status: criteria provided, single submitter. Criteria: ACMG Guidelines, 2015. Collection method: clinical testing. Allele origin: germline. Inheritance: Autosomal recessive inheritance. Not counted in ClinVar's aggregate classification.

Ambry Genetics
Classification: Likely pathogenic for Hereditary cancer-predisposing syndrome. Last evaluated: 2024-11-21. Review status: criteria provided, single submitter. Criteria: Ambry Variant Classification Scheme 2023. Collection method: clinical testing. Allele origin: germline. Not counted in ClinVar's aggregate classification.
Comment: The p.L1465P variant (also known as c.4394T>C), located in coding exon 28 of the ATM gene, results from a T to C substitution at nucleotide position 4394. The leucine at codon 1465 is replaced by proline, an amino acid with very few similar properties. Functional analysis indicated low levels of ATM expression (1%) suggesting that this alteration likely changes the secondary structure of the protein as the proline substitution is located in the middle of a predicted &alpha;-helix from amino acids 1460 to 1476 (Izatt L et al. Eur. J. Hum. Genet. 1999 Apr; 7(3):310-20). An additional report suggests this alteration results in reduced kinase activity. Authors note that 8 of the 10 ATM variants in this study with reduced kinase activity were identified in A-T patients with a milder A-T phenotype, but do not specify which 8 (Barone G et al. Hum. Mutat. 2009 Aug; 30(8):1222-30). This variant was reported in 10/5560 prostate cancer cases and in 2/3353 controls of European ancestry (Karlsson Q et al. Eur Urol Oncol. 2021 Aug;4:570-579). Based on internal structural analysis, this variant is anticipated to result in a significant decrease in structural stability; however, the impact on protein function is not clear (Ambry internal data; Bareti D et al. Sci Adv. 2017 May;3(5):e1700933). This amino acid position is highly conserved in available vertebrate species. In addition, this alteration is predicted to be deleterious by in silico analysis. Based on the majority of available evidence to date, this variant is likely to be pathogenic.

GeneDx
Classification: Likely pathogenic. Last evaluated: 2024-10-29. Review status: criteria provided, single submitter. Criteria: GeneDx Variant Classification Process June 2021. Collection method: clinical testing. Allele origin: germline. Affected: yes. Not counted in ClinVar's aggregate classification.
Comment: Published functional studies demonstrate reduced kinase activity (PMID: 19431188); Identified in individuals with breast or prostate cancer and segregates with breast cancer in at least one family (PMID: 32853339, 33436325, 37232349); In silico analysis supports that this missense variant has a deleterious effect on protein structure/function; Not observed at significant frequency in large population cohorts (gnomAD); This variant is associated with the following publications: (PMID: 27304073, 22529920, 26681312, 29308099, 29922827, 10234507, 26896183, 27153395, 33436325, 32853339, 37232349, 19431188)

Baylor Genetics
Classification: Likely pathogenic for Familial cancer of breast. Last evaluated: 2023-09-12. Review status: criteria provided, single submitter. Criteria: ACMG Guidelines, 2015. Collection method: clinical testing. Allele origin: unknown. Not counted in ClinVar's aggregate classification.

Blueprint Genetics
Classification: Likely pathogenic for ATM-related disorders. Last evaluated: 2022-07-11. Review status: criteria provided, single submitter. Criteria: ACMG Guidelines, 2015. Collection method: clinical testing. Allele origin: germline. Affected: yes. Observed: 1 variant allele. Not counted in ClinVar's aggregate classification.

Revvity Omics, Revvity
Classification: Likely pathogenic for Ataxia-telangiectasia syndrome. Last evaluated: 2019-06-06. Review status: criteria provided, single submitter. Criteria: ACMG Guidelines, 2015. Collection method: clinical testing. Allele origin: germline. Not counted in ClinVar's aggregate classification.

Literature cited by the submitters: PubMed 10234507 (cited by 4 submitters); PubMed 26681312 (cited by 3 submitters); PubMed 26896183 (cited by 4 submitters); PubMed 32853339 (cited by Labcorp Genetics (formerly Invitae), Labcorp and Women's Health and Genetics/Laboratory Corporation of America, LabCorp); PubMed 33436325 (cited by 3 submitters); PubMed 37232349 (cited by 3 submitters); PubMed 19431188 (cited by 4 submitters); PubMed 22529920 (cited by Women's Health and Genetics/Laboratory Corporation of America, LabCorp and Ambry Genetics); PubMed 27153395 (cited by Ambry Genetics).

NM_000051.4(ATM):c.4394T>C (p.Leu1465Pro)

Gene: ATM (ATM serine/threonine kinase; plus strand). Cytogenetic location: 11q22.3.
Variant type: single nucleotide variant.
Coding change: c.4394T>C on transcript NM_000051.4 (MANE Select); coding-DNA position 4394, T replaced by C.
Protein change: p.Leu1465Pro; replaces leucine 1465 with proline.
Molecular consequence: missense variant.
Genome position (GRCh38, 1-based): chr11:108,289,759, T>C. VCF-style: chr11-108289759-T-C. GRCh37 (hg19) VCF-style: chr11-108160486-T-C.
Other names: p.L1465P:CTT>CCT; NM_000051.4(ATM):c.4394T>C; c.4394T>C, p.Leu1465Pro (NM_001351834.2); short protein forms L1465P.
Identifiers: ClinVar variation 181996 (VCV000181996.28), dbSNP rs730881391, ClinGen allele CA298357.